The following is an entry in ClinVar:

NM_004104.5(FASN):c.834G>T (p.Gln278His)

Gene: FASN (fatty acid synthase; minus strand). Cytogenetic location: 17q25.3.
Variant type: single nucleotide variant.
Coding change: c.834G>T on transcript NM_004104.5 (MANE Select); coding-DNA position 834, G replaced by T.
Protein change: p.Gln278His; replaces glutamine 278 with histidine.
Molecular consequence: missense variant.
Genome position (GRCh38, 1-based): chr17:82,092,757, C>A on the plus strand (G>T on the coding strand, the complement: FASN is on the minus strand). VCF-style: chr17-82092757-C-A. GRCh37 (hg19) VCF-style: chr17-80050633-C-A.
Other names: short protein forms Q278H.
Identifiers: ClinVar variation 1376908 (VCV001376908.6), dbSNP rs1250533640, ClinGen allele CA401562844.

ClinVar aggregate classification (germline): Uncertain significance (1 of 4 stars; one submission).

Conditions:
Epileptic encephalopathy. Identifiers: MedGen C0543888, HP:0200134.

Allele frequency attached by ClinVar (database versions not stated): gnomAD exomes below 0.00001; TOPMed 0.00001.
gnomAD v4.1: 1 of 1,606,284 alleles (0.000062%); highest among the groups gnomAD compares: Non-Finnish European, 0.000085%; no homozygotes.

Submission:

Labcorp Genetics (formerly Invitae), Labcorp
Classification: Uncertain significance for Epileptic encephalopathy. Last evaluated: 2021-08-22. Review status: criteria provided, single submitter. Criteria: Invitae Variant Classification Sherloc (09022015). Collection method: clinical testing. Allele origin: germline.
Comment: This sequence change replaces glutamine with histidine at codon 278 of the FASN protein (p.Gln278His). The glutamine residue is weakly conserved and there is a small physicochemical difference between glutamine and histidine. This variant is not present in population databases (ExAC no frequency). This variant has not been reported in the literature in individuals affected with FASN-related conditions. Algorithms developed to predict the effect of missense changes on protein structure and function are either unavailable or do not agree on the potential impact of this missense change (SIFT: "Deleterious"; PolyPhen-2: "Benign"; Align-GVGD: "Class C0"). In summary, the available evidence is currently insufficient to determine the role of this variant in disease. Therefore, it has been classified as a Variant of Uncertain Significance.